The following is an entry in ClinVar:

ClinVar aggregate classification (germline): Uncertain significance. Review status: criteria provided, multiple submitters, no conflicts (2 of 4 stars). 2 submissions from 2 submitters: Uncertain significance (2). Last evaluated 2024-01-09.

Conditions:
Primary ciliary dyskinesia. Also called: Ciliary dyskinesia. Identifiers: Orphanet 244, MedGen C0008780, MONDO:0016575, HP:0012265.

Allele frequency attached by ClinVar (database versions not stated): gnomAD exomes below 0.00001 and 0.00001; gnomAD 0.00001 and 0.00002; ExAC 0.00002; TOPMed 0.00004.
gnomAD v4.1: 5 of 1,610,864 alleles (0.00031%); highest among the groups gnomAD compares: Admixed American, 0.0084%; no homozygotes.

Submissions (2):

Ambry Genetics
Classification: Uncertain significance. Last evaluated: 2024-01-09. Review status: criteria provided, single submitter. Criteria: Ambry Variant Classification Scheme 2023. Collection method: clinical testing. Allele origin: germline.

Labcorp Genetics (formerly Invitae), Labcorp
Classification: Uncertain significance for Primary ciliary dyskinesia. Last evaluated: 2022-05-25. Review status: criteria provided, single submitter. Criteria: Invitae Variant Classification Sherloc (09022015). Collection method: clinical testing. Allele origin: germline.
Comment: This sequence change replaces isoleucine, which is neutral and non-polar, with threonine, which is neutral and polar, at codon 4199 of the DNAH8 protein (p.Ile4199Thr). This variant is present in population databases (rs766816061, gnomAD 0.009%). This variant has not been reported in the literature in individuals affected with DNAH8-related conditions. ClinVar contains an entry for this variant (Variation ID: 407305). Algorithms developed to predict the effect of missense changes on protein structure and function output the following: SIFT: "Tolerated"; PolyPhen-2: "Not Available"; Align-GVGD: "Class C0". The threonine amino acid residue is found in multiple mammalian species, which suggests that this missense change does not adversely affect protein function. In summary, the available evidence is currently insufficient to determine the role of this variant in disease. Therefore, it has been classified as a Variant of Uncertain Significance.

NM_001206927.2(DNAH8):c.12596T>C (p.Ile4199Thr)

Gene: DNAH8 (dynein axonemal heavy chain 8; plus strand). Cytogenetic location: 6p21.2.
Variant type: single nucleotide variant.
Coding change: c.12596T>C on transcript NM_001206927.2 (MANE Select); coding-DNA position 12596, T replaced by C.
Protein change: p.Ile4199Thr; replaces isoleucine 4199 with threonine.
Molecular consequence: missense variant.
Genome position (GRCh38, 1-based): chr6:38,973,731, T>C. VCF-style: chr6-38973731-T-C. GRCh37 (hg19) VCF-style: chr6-38941507-T-C.
Other names: c.11945T>C, p.Ile3982Thr (NM_001371.4); short protein forms I4199T, I3982T.
Identifiers: ClinVar variation 407305 (VCV000407305.17), dbSNP rs766816061, ClinGen allele CA3791407.